The following is an entry in ClinVar:

ClinVar aggregate classification (germline): Conflicting classifications of pathogenicity. Review status: criteria provided, conflicting classifications (1 of 4 stars). 8 submissions from 8 submitters: Uncertain significance (7); Likely benign (1). Last evaluated 2026-01-16.

Conditions:
Hereditary cancer-predisposing syndrome. Also called: Tumor predisposition; Neoplastic Syndromes, Hereditary; Hereditary Cancer Syndrome; Hereditary neoplastic syndrome. Identifiers: Orphanet 140162, MedGen C0027672, MeSH D009386, MONDO:0015356.
Cardiovascular phenotype. Identifiers: MedGen CN230736.
Neurofibromatosis, type 1 (NF1). Also called: Neurofibromatosis, type I; NEUROFIBROMATOSIS, TYPE I, SOMATIC; Peripheral type neurofibromatosis; VON RECKLINGHAUSEN DISEASE. Identifiers: Orphanet 636, MedGen C0027831, MONDO:0018975, OMIM 162200. Disease mechanism: loss of function.
Café-au-lait macules with pulmonary stenosis (WTSN). Also called: PULMONIC STENOSIS WITH CAFE-AU-LAIT SPOTS. Identifiers: MedGen C0553586, MONDO:0008672, OMIM 193520.
Juvenile myelomonocytic leukemia (JMML). Also called: LEUKEMIA, JUVENILE MYELOMONOCYTIC, SOMATIC. Identifiers: Orphanet 86834, MedGen C0349639, MONDO:0011908, OMIM 607785, HP:0012209.
Neurofibromatosis-Noonan syndrome (NFNS). Also called: NEUROFIBROMATOSIS WITH NOONAN PHENOTYPE. Identifiers: Orphanet 638, MedGen C2931482, MONDO:0011035, OMIM 601321. Disease mechanism: loss of function.
Neurofibromatosis, familial spinal (FSNF). Identifiers: Orphanet 636, MedGen C1834235, MONDO:0008078, OMIM 162210. Disease mechanism: loss of function.

Allele frequency attached by ClinVar (database versions not stated): ExAC 0.00001; gnomAD 0.00001; gnomAD exomes 0.00001 and 0.00002; TOPMed 0.00001.
gnomAD v4.1: 34 of 1,613,022 alleles (0.0021%); highest among the groups gnomAD compares: Non-Finnish European, 0.0028%; no homozygotes.

Submissions (8):

Labcorp Genetics (formerly Invitae), Labcorp
Classification: Likely benign for Neurofibromatosis, type 1. Last evaluated: 2026-01-16. Review status: criteria provided, single submitter. Criteria: Invitae Variant Classification Sherloc (09022015). Collection method: clinical testing. Allele origin: germline.

Quest Diagnostics Nichols Institute San Juan Capistrano
Classification: Uncertain significance. Last evaluated: 2025-06-27. Review status: criteria provided, single submitter. Criteria: Quest Diagnostics criteria. Collection method: clinical testing. Allele origin: unknown.

Ambry Genetics
Classification: Uncertain significance for Cardiovascular phenotype; Hereditary cancer-predisposing syndrome. Last evaluated: 2024-08-19. Review status: criteria provided, single submitter. Criteria: Ambry Variant Classification Scheme 2023. Collection method: clinical testing. Allele origin: germline.
Comment: The p.M590T variant (also known as c.1769T>C), located in coding exon 16 of the NF1 gene, results from a T to C substitution at nucleotide position 1769. The methionine at codon 590 is replaced by threonine, an amino acid with similar properties. This amino acid position is well conserved in available vertebrate species. In addition, the in silico prediction for this alteration is inconclusive. Since supporting evidence is limited at this time, the clinical significance of this alteration remains unclear.

Institute for Biomarker Research, Medical Diagnostic Laboratories, L.L.C.
Classification: Uncertain significance for Hereditary cancer-predisposing syndrome. Last evaluated: 2024-05-14. Review status: criteria provided, single submitter. Criteria: ACMG Guidelines, 2015. Collection method: clinical testing. Allele origin: germline.

Fulgent Genetics
Classification: Uncertain significance for Neurofibromatosis, type 1; Neurofibromatosis, familial spinal; Café-au-lait macules with pulmonary stenosis; Neurofibromatosis-Noonan syndrome; Juvenile myelomonocytic leukemia. Last evaluated: 2024-01-20. Review status: criteria provided, single submitter. Criteria: ACMG Guidelines, 2015. Collection method: clinical testing. Allele origin: germline.

GeneDx
Classification: Uncertain significance. Last evaluated: 2022-07-08. Review status: criteria provided, single submitter. Criteria: GeneDx Variant Classification Process June 2021. Collection method: clinical testing. Allele origin: germline. Affected: yes.
Comment: In silico analysis supports that this missense variant does not alter protein structure/function; Has not been previously published as pathogenic or benign to our knowledge; This variant is associated with the following publications: (PMID: 25486365)

Genome-Nilou Lab
Classification: Uncertain significance for Neurofibromatosis, type 1. Last evaluated: 2022-03-15. Review status: criteria provided, single submitter. Criteria: ACMG Guidelines, 2015. Collection method: clinical testing. Allele origin: germline. Affected: no.

Women's Health and Genetics/Laboratory Corporation of America, LabCorp
Classification: Uncertain significance. Last evaluated: 2018-05-18. Review status: criteria provided, single submitter. Criteria: LabCorp Variant Classification Summary - May 2015. Collection method: clinical testing. Allele origin: germline.
Comment: Variant summary: NF1 c.1769T>C (p.Met590Thr) results in a non-conservative amino acid change in the encoded protein sequence. Three of five in-silico tools predict a damaging effect of the variant on protein function. The variant allele was found at a frequency of 1.1e-05 in 276896 control chromosomes. This frequency is not significantly higher than expected for a pathogenic variant in NF1 causing Neurofibromatosis Type 1 (1.1e-05 vs 0.00021), allowing no conclusion about variant significance. To our knowledge, no occurrence of c.1769T>C in individuals affected with Neurofibromatosis Type 1 and no experimental evidence demonstrating its impact on protein function have been reported. One clinical diagnostic laboratory has submitted clinical-significance assessments for this variant to ClinVar after 2014 without evidence for independent evaluation. One laboratory classified the variant as uncertain significance. Based on the evidence outlined above, the variant was classified as uncertain significance.

NM_001042492.3(NF1):c.1769T>C (p.Met590Thr)

Gene: NF1 (neurofibromin 1; plus strand). Cytogenetic location: 17q11.2.
Variant type: single nucleotide variant.
Coding change: c.1769T>C on transcript NM_001042492.3 (MANE Select); coding-DNA position 1769, T replaced by C.
Protein change: p.Met590Thr; replaces methionine 590 with threonine.
Molecular consequence: missense variant.
Genome position (GRCh38, 1-based): chr17:31,223,491, T>C. VCF-style: chr17-31223491-T-C. GRCh37 (hg19) VCF-style: chr17-29550509-T-C.
Other names: c.1769T>C, p.Met590Thr (NM_000267.4); short protein forms M590T.
Identifiers: ClinVar variation 404460 (VCV000404460.24), dbSNP rs761559887, ClinGen allele CA8485850.
Genomic context (GRCh38, chr17:31,223,491, plus strand): 5'-TATGTTACTGCAGCTCACAAATGCTTTTTTACATCTGCAAGAAATTAACTAGTCATCAAA[T>C]GCTTAGTAGCACAGAAATTCTCAAGTGGTTGCGGGAAATATTGATCTGCAGGAATAAATT-3'
Protein context (NP_001035957.1, residues 580-600): YICKKLTSHQ[Met590Thr]LSSTEILKWL